The following is an entry in ClinVar:

NM_024741.3(ZNF408):c.457C>T (p.Leu153Phe)

Gene: ZNF408 (zinc finger protein 408; plus strand). Cytogenetic location: 11p11.2.
Variant type: single nucleotide variant.
Coding change: c.457C>T on transcript NM_024741.3 (MANE Select); coding-DNA position 457, C replaced by T.
Protein change: p.Leu153Phe; replaces leucine 153 with phenylalanine.
Molecular consequence: missense variant.
Genome position (GRCh38, 1-based): chr11:46,703,048, C>T. VCF-style: chr11-46703048-C-T. GRCh37 (hg19) VCF-style: chr11-46724598-C-T.
Other names: c.433C>T, p.Leu145Phe (NM_001184751.2); short protein forms L153F, L145F.
Identifiers: ClinVar variation 861438 (VCV000861438.11), dbSNP rs140201502, ClinGen allele CA5966353.
Genomic context (GRCh38, chr11:46,703,048, plus strand): 5'-GTACAACGGGGCAGGCTGGAGAGTGAGGGAAATGTGGCCCCAGTGCGGATCAGCGAGAGG[C>T]TTCATCTGCAAGTGTACCAGCTGGTGCTGCCAGGCTCTGAACTGCTGCTGTGGCCCCAGC-3'
Protein context (NP_079017.1, residues 143-163): NVAPVRISER[Leu153Phe]HLQVYQLVLP

ClinVar aggregate classification (germline): Uncertain significance. Review status: criteria provided, multiple submitters, no conflicts (2 of 4 stars). 4 submissions from 4 submitters: Uncertain significance (3). 1 of the submissions does not count toward it. Last evaluated 2026-01-12.

Conditions:
Exudative vitreoretinopathy 6 (EVR6). Identifiers: Orphanet 891, MedGen C4225316, MONDO:0014652, OMIM 616468.
Retinitis pigmentosa 72 (RP72). Identifiers: Orphanet 791, MedGen C4225315, MONDO:0014653, OMIM 616469.
Retinal dystrophy. Also called: Inherited retinal dystrophy. Identifiers: Orphanet 71862, MedGen C0854723, MeSH D058499, MONDO:0019118, HP:0000556.

Allele frequency attached by ClinVar (database versions not stated): ExAC 0.00030; gnomAD exomes 0.00031 and 0.00054; 1000 Genomes Project 0.00040; gnomAD 0.00042 and 0.00043; TOPMed 0.00045; ESP Exome Variant Server 0.00046; 1000 Genomes Project 30x 0.00047.
gnomAD v4.1: 863 of 1,614,008 alleles (0.053%); highest among the groups gnomAD compares: Non-Finnish European, 0.067%; no homozygotes.

Submissions (4):

Labcorp Genetics (formerly Invitae), Labcorp
Classification: Uncertain significance. Last evaluated: 2026-01-12. Review status: criteria provided, single submitter. Criteria: Invitae Variant Classification Sherloc (09022015). Collection method: clinical testing. Allele origin: germline.
Comment: This sequence change replaces leucine, which is neutral and non-polar, with phenylalanine, which is neutral and non-polar, at codon 153 of the ZNF408 protein (p.Leu153Phe). This variant is present in population databases (rs140201502, gnomAD 0.06%). This variant has not been reported in the literature in individuals affected with ZNF408-related conditions. ClinVar contains an entry for this variant (Variation ID: 861438). An algorithm developed to predict the effect of missense changes on protein structure and function (PolyPhen-2) suggests that this variant is likely to be disruptive. In summary, the available evidence is currently insufficient to determine the role of this variant in disease. Therefore, it has been classified as a Variant of Uncertain Significance.

Blueprint Genetics
Classification: Uncertain significance. Last evaluated: 2024-10-21. Review status: criteria provided, single submitter. Criteria: ACMG Guidelines, 2015. Collection method: clinical testing. Allele origin: germline.

Fulgent Genetics
Classification: Uncertain significance for Exudative vitreoretinopathy 6; Retinitis pigmentosa 72. Last evaluated: 2022-03-30. Review status: criteria provided, single submitter. Criteria: ACMG Guidelines, 2015. Collection method: clinical testing. Allele origin: unknown.

Institute of Human Genetics, Univ. Regensburg, Univ. Regensburg
Classification: Uncertain significance for Retinal dystrophy. Last evaluated: 2022-01-01. Review status: no assertion criteria provided. Criteria: ACMG Guidelines, 2015. Collection method: clinical testing. Allele origin: germline. Affected: yes. Not counted in ClinVar's aggregate classification.